The following is an entry in ClinVar:

NM_004304.5(ALK):c.775C>A (p.Arg259Ser)

Gene: ALK (ALK receptor tyrosine kinase; minus strand). Cytogenetic location: 2p23.2.
Variant type: single nucleotide variant.
Coding change: c.775C>A on transcript NM_004304.5 (MANE Select); coding-DNA position 775, C replaced by A.
Protein change: p.Arg259Ser; replaces arginine 259 with serine.
Molecular consequence: missense variant.
Genome position (GRCh38, 1-based): chr2:29,717,590, G>T on the plus strand (C>A on the coding strand, the complement: ALK is on the minus strand). VCF-style: chr2-29717590-G-T. GRCh37 (hg19) VCF-style: chr2-29940456-G-T.
Other names: short protein forms R259S.
Identifiers: ClinVar variation 948994 (VCV000948994.9), dbSNP rs771593278, ClinGen allele CA346587628.
Genomic context (GRCh38, chr2:29,717,590, plus strand): 5'-ATGAGATAGTGACAGTGTATCTCAAGTAAATATTAAACATATACTTACCATATCGGCTGC[G>T]ATGAGACAGGAAAGGGAAGGAGTCTTTCATTATCCAGGTGAGATTCCATGTAAAATAATC-3'
Protein context (NP_004295.2, residues 249-269): MKDSFPFLSH[Arg259Ser]SRYGLECSFD

ClinVar aggregate classification (germline): Uncertain significance (1 of 4 stars; one submission).

Conditions:
Neuroblastoma, susceptibility to, 3. Also called: ALK-Related Neuroblastic Tumor Susceptibility. Identifiers: Orphanet 635, MedGen C2751681, MONDO:0013083, OMIM 613014.

Submission:

Labcorp Genetics (formerly Invitae), Labcorp
Classification: Uncertain significance for Neuroblastoma, susceptibility to, 3. Last evaluated: 2019-05-05. Review status: criteria provided, single submitter. Criteria: Invitae Variant Classification Sherloc (09022015). Collection method: clinical testing. Allele origin: germline.
Comment: Algorithms developed to predict the effect of sequence changes on RNA splicing suggest that this variant may create or strengthen a splice site, but this prediction has not been confirmed by published transcriptional studies. In summary, the available evidence is currently insufficient to determine the role of this variant in disease. Therefore, it has been classified as a Variant of Uncertain Significance. Algorithms developed to predict the effect of missense changes on protein structure and function are either unavailable or do not agree on the potential impact of this missense change (SIFT: "Deleterious"; PolyPhen-2: "Benign"; Align-GVGD: "Class C0"). This sequence change replaces arginine with serine at codon 259 of the ALK protein (p.Arg259Ser). The arginine residue is moderately conserved and there is a moderate physicochemical difference between arginine and serine. This variant is not present in population databases (ExAC no frequency). This variant has not been reported in the literature in individuals with ALK-related conditions.